The following is an entry in ClinVar:

NM_000059.4(BRCA2):c.7472A>T (p.Gln2491Leu)

Gene: BRCA2 (BRCA2 DNA repair associated; plus strand). Cytogenetic location: 13q13.1.
Variant type: single nucleotide variant.
Coding change: c.7472A>T on transcript NM_000059.4 (MANE Select); coding-DNA position 7472, A replaced by T.
Protein change: p.Gln2491Leu; replaces glutamine 2491 with leucine.
Molecular consequence: missense variant.
Genome position (GRCh38, 1-based): chr13:32,356,464, A>T. VCF-style: chr13-32356464-A-T. GRCh37 (hg19) VCF-style: chr13-32930601-A-T.
Other names: short protein forms Q2491L.
Identifiers: ClinVar variation 840372 (VCV000840372.11), dbSNP rs185012573, ClinGen allele CA387743232.

ClinVar aggregate classification (germline): Uncertain significance. Review status: criteria provided, multiple submitters, no conflicts (2 of 4 stars). 2 submissions from 2 submitters: Uncertain significance (2). Last evaluated 2022-12-09.

Conditions:
Hereditary breast ovarian cancer syndrome. Also called: Hereditary breast and ovarian cancer syndrome (HBOC); Hereditary breast and ovarian cancer; Hereditary breast and/or ovarian cancer syndrome; Hereditary breast and ovarian cancer syndrome; Breast and ovarian cancer; BRCA1- and BRCA2-Associated Hereditary Breast and Ovarian Cancer. Identifiers: Orphanet 145, MedGen C0677776, MeSH D061325, MONDO:0003582. Disease mechanism: loss of function.
Hereditary cancer-predisposing syndrome. Also called: Neoplastic Syndromes, Hereditary; Tumor predisposition; Hereditary neoplastic syndrome; Hereditary Cancer Syndrome. Identifiers: Orphanet 140162, MedGen C0027672, MeSH D009386, MONDO:0015356.

Submissions (2):

Ambry Genetics
Classification: Uncertain significance for Hereditary cancer-predisposing syndrome. Last evaluated: 2022-12-09. Review status: criteria provided, single submitter. Criteria: Ambry Variant Classification Scheme 2023. Collection method: clinical testing. Allele origin: germline.
Comment: The p.Q2491L variant (also known as c.7472A>T), located in coding exon 14 of the BRCA2 gene, results from an A to T substitution at nucleotide position 7472. The glutamine at codon 2491 is replaced by leucine, an amino acid with dissimilar properties. This amino acid position is highly conserved in available vertebrate species. In addition, this alteration is predicted to be deleterious by in silico analysis. Since supporting evidence is limited at this time, the clinical significance of this alteration remains unclear.

Labcorp Genetics (formerly Invitae), Labcorp
Classification: Uncertain significance for Hereditary breast ovarian cancer syndrome. Last evaluated: 2019-01-31. Review status: criteria provided, single submitter. Criteria: Invitae Variant Classification Sherloc (09022015). Collection method: clinical testing. Allele origin: germline.
Comment: This variant has not been reported in the literature in individuals with BRCA2-related conditions. This variant has been reported not to substantially affect BRCA2 protein function (PMID: 29884841). In summary, the available evidence is currently insufficient to determine the role of this variant in disease. Therefore, it has been classified as a Variant of Uncertain Significance. This sequence change replaces glutamine with leucine at codon 2491 of the BRCA2 protein (p.Gln2491Leu). The glutamine residue is highly conserved and there is a moderate physicochemical difference between glutamine and leucine. This variant is not present in population databases (ExAC no frequency).

Literature cited by the submitters: PubMed 29884841 (cited by Labcorp Genetics (formerly Invitae), Labcorp).